The following is an entry in ClinVar:

ClinVar aggregate classification (germline): Uncertain significance. Review status: criteria provided, multiple submitters, no conflicts (2 of 4 stars). 3 submissions from 3 submitters: Uncertain significance (3). Last evaluated 2025-12-24.

Conditions:
Infantile cerebral and cerebellar atrophy with postnatal progressive microcephaly (MSBA). Identifiers: Orphanet 402364, MedGen C3150921, MONDO:0013351, OMIM 613668.

Allele frequency attached by ClinVar (database versions not stated): ExAC 0.00001; gnomAD exomes 0.00001 and 0.00002; gnomAD 0.00002 and 0.00003; TOPMed 0.00003; ESP Exome Variant Server 0.00008; 1000 Genomes Project 30x 0.00016.
gnomAD v4.1: 29 of 1,614,162 alleles (0.0018%); highest among the groups gnomAD compares: Non-Finnish European, 0.0023%; no homozygotes.

Submissions (3):

Labcorp Genetics (formerly Invitae), Labcorp
Classification: Uncertain significance. Last evaluated: 2025-12-24. Review status: criteria provided, single submitter. Criteria: Invitae Variant Classification Sherloc (09022015). Collection method: clinical testing. Allele origin: germline.
Comment: This sequence change replaces alanine, which is neutral and non-polar, with threonine, which is neutral and polar, at codon 164 of the MED17 protein (p.Ala164Thr). This variant is present in population databases (rs369606983, gnomAD 0.003%). This missense change has been observed in individual(s) with clinical features of MED17-related progressive microcephaly with seizures and cerebral and cerebellar atrophy (internal data). In at least one individual the data is consistent with being in trans (on the opposite chromosome) from a pathogenic variant. ClinVar contains an entry for this variant (Variation ID: 1285434). Invitae Evidence Modeling of protein sequence and biophysical properties (such as structural, functional, and spatial information, amino acid conservation, physicochemical variation, residue mobility, and thermodynamic stability) indicates that this missense variant is not expected to disrupt MED17 protein function with a negative predictive value of 80%. In summary, the available evidence is currently insufficient to determine the role of this variant in disease. Therefore, it has been classified as a Variant of Uncertain Significance.

Baylor Genetics
Classification: Uncertain significance for Infantile cerebral and cerebellar atrophy with postnatal progressive microcephaly. Last evaluated: 2023-08-29. Review status: criteria provided, single submitter. Criteria: ACMG Guidelines, 2015. Collection method: clinical testing. Allele origin: unknown.

Institute of Human Genetics, University of Leipzig Medical Center
Classification: Uncertain significance for Infantile cerebral and cerebellar atrophy with postnatal progressive microcephaly. Last evaluated: 2020-11-02. Review status: criteria provided, single submitter. Criteria: ACMG Guidelines, 2015. Collection method: clinical testing. Allele origin: inherited. Inheritance: Autosomal recessive inheritance. Affected: yes.

NM_004268.5(MED17):c.490G>A (p.Ala164Thr)

Gene: MED17 (mediator complex subunit 17; plus strand). Cytogenetic location: 11q21.
Variant type: single nucleotide variant.
Coding change: c.490G>A on transcript NM_004268.5 (MANE Select); coding-DNA position 490, G replaced by A.
Protein change: p.Ala164Thr; replaces alanine 164 with threonine.
Molecular consequence: missense variant.
Genome position (GRCh38, 1-based): chr11:93,790,646, G>A. VCF-style: chr11-93790646-G-A. GRCh37 (hg19) VCF-style: chr11-93523812-G-A.
Other names: short protein forms A164T.
Identifiers: ClinVar variation 1285434 (VCV001285434.4), dbSNP rs369606983, ClinGen allele CA6232347.